The following is an entry in ClinVar:

ClinVar aggregate classification (germline): Uncertain significance (1 of 4 stars; one submission).

Submission:

Labcorp Genetics (formerly Invitae), Labcorp
Classification: Uncertain significance. Last evaluated: 2022-09-25. Review status: criteria provided, single submitter. Criteria: Invitae Variant Classification Sherloc (09022015). Collection method: clinical testing. Allele origin: germline.
Comment: This variant results in a copy number gain of the genomic region encompassing exon(s) 2 of the ESCO2 gene. This region includes the initiator codon of the gene. This copy number gain extends beyond the assayed region for this gene and therefore may encompass additional genes. As the precise location of this event is unknown, it may be in tandem or it may be located elsewhere in the genome. This variant has not been reported in the literature in individuals affected with ESCO2-related conditions. Experimental studies and prediction algorithms are not available or were not evaluated, and the functional significance of this variant is currently unknown. In summary, the available evidence is currently insufficient to determine the role of this variant in disease. Therefore, it has been classified as a Variant of Uncertain Significance.

NC_000008.10:g.(?_27633032)_(27633104_?)dup

Gene: ESCO2 (establishment of sister chromatid cohesion N-acetyltransferase 2; plus strand). Cytogenetic location: 8p21.1.
Variant type: Duplication.
Identifiers: ClinVar variation 2423472 (VCV002423472.3).